The following is an entry in ClinVar:

ClinVar aggregate classification (germline): Uncertain significance (1 of 4 stars; one submission).

Allele frequency attached by ClinVar (database versions not stated): TOPMed 0.00001.
gnomAD v4.1: 6 of 1,613,752 alleles (0.00037%); highest among the groups gnomAD compares: Admixed American, 0.0067%; no homozygotes.

Submission:

Laboratory for Molecular Medicine, Mass General Brigham Personalized Medicine
Classification: Uncertain significance. Last evaluated: 2014-09-17. Review status: criteria provided, single submitter. Criteria: LMM Criteria. Collection method: clinical testing. Allele origin: germline. Observed: 1 variant allele.
Comment: The Thr3681Ile variant in TTN has not been previously reported in individuals wi th cardiomyopathy or in large population studies. Computational prediction tools and conservation analysis are limited or unavailable for this variant. In summa ry, the clinical significance of the Thr3681Ile variant is uncertain.

NM_001267550.2(TTN):c.11756C>T (p.Thr3919Ile)

Gene: TTN (titin; minus strand). Cytogenetic location: 2q31.2.
Variant type: single nucleotide variant.
Coding change: c.11756C>T on transcript NM_001267550.2 (MANE Select); coding-DNA position 11756, C replaced by T.
Protein change: p.Thr3919Ile; replaces threonine 3919 with isoleucine.
Molecular consequence: missense variant. On other transcripts: intron variant (1).
Genome position (GRCh38, 1-based): chr2:178,741,477, G>A on the plus strand (C>T on the coding strand, the complement: TTN is on the minus strand). VCF-style: chr2-178741477-G-A. GRCh37 (hg19) VCF-style: chr2-179606204-G-A.
Other names: c.10805C>T, p.Thr3602Ile (NM_001256850.1); c.10667C>T, p.Thr3556Ile (NM_003319.4); c.11243C>T, p.Thr3748Ile (NM_133437.4); c.10361-3117C>T (NM_133378.4); c.11042C>T, p.Thr3681Ile (NM_133432.3); short protein forms T3681I, T3919I, T3556I, T3748I, T3602I.
Identifiers: ClinVar variation 166242 (VCV000166242.5), dbSNP rs727503661, ClinGen allele CA179045.
Genomic context (GRCh38, chr2:178,741,477, plus strand): 5'-TGAGGAGGACAAGGACCTCCCAGCTTTTCCAGAGATTTTGCCACTGCTGATTCTGTTTCA[G>A]TGTCTTTGTGACCCTCTCCTTTGGAATTAATTTTTAGATAGGCACTACATATTGTCTTTC-3'
Protein context (NP_001254479.2, residues 3909-3929): INSKGEGHKD[Thr3919Ile]ETESAVAKSL